The following is an entry in ClinVar:

ClinVar aggregate classification (germline): Uncertain significance (1 of 4 stars; one submission).

Conditions:
Chédiak-Higashi syndrome (CHS). Also called: Chediak-Higashi Syndrome. Identifiers: Orphanet 167, MedGen C0007965, MONDO:0008963, OMIM 214500.

gnomAD v4.1: 25 of 1,613,972 alleles (0.0015%); highest among the groups gnomAD compares: South Asian, 0.0088%; no homozygotes.

Submission:

Labcorp Genetics (formerly Invitae), Labcorp
Classification: Uncertain significance for Chédiak-Higashi syndrome. Last evaluated: 2024-11-08. Review status: criteria provided, single submitter. Criteria: Invitae Variant Classification Sherloc (09022015). Collection method: clinical testing. Allele origin: germline.
Comment: This sequence change replaces arginine, which is basic and polar, with tryptophan, which is neutral and slightly polar, at codon 1433 of the LYST protein (p.Arg1433Trp). This variant is present in population databases (rs772648319, gnomAD 0.01%). This variant has not been reported in the literature in individuals affected with LYST-related conditions. ClinVar contains an entry for this variant (Variation ID: 836813). Invitae Evidence Modeling of protein sequence and biophysical properties (such as structural, functional, and spatial information, amino acid conservation, physicochemical variation, residue mobility, and thermodynamic stability) indicates that this missense variant is not expected to disrupt LYST protein function with a negative predictive value of 80%. In summary, the available evidence is currently insufficient to determine the role of this variant in disease. Therefore, it has been classified as a Variant of Uncertain Significance.

NM_000081.4(LYST):c.4297C>T (p.Arg1433Trp)

Gene: LYST (lysosomal trafficking regulator; minus strand). Cytogenetic location: 1q42.3.
Variant type: single nucleotide variant.
Coding change: c.4297C>T on transcript NM_000081.4 (MANE Select); coding-DNA position 4297, C replaced by T.
Protein change: p.Arg1433Trp; replaces arginine 1433 with tryptophan.
Molecular consequence: missense variant.
Genome position (GRCh38, 1-based): chr1:235,791,945, G>A on the plus strand (C>T on the coding strand, the complement: LYST is on the minus strand). VCF-style: chr1-235791945-G-A. GRCh37 (hg19) VCF-style: chr1-235955245-G-A.
Other names: c.4297C>T, p.Arg1433Trp (NM_001301365.1); short protein forms R1433W.
Identifiers: ClinVar variation 836813 (VCV000836813.6), dbSNP rs772648319, ClinGen allele CA1466877.